The following is an entry in ClinVar:

ClinVar aggregate classification (germline): Uncertain significance (1 of 4 stars; one submission).

Conditions:
Autosomal recessive polycystic kidney disease (ARPKD). Also called: AR polycystic kidney disease. Identifiers: Orphanet 731, Orphanet 8378, MedGen C0085548, MeSH D017044, MONDO:0009889.

Submission:

Labcorp Genetics (formerly Invitae), Labcorp
Classification: Uncertain significance for Autosomal recessive polycystic kidney disease. Last evaluated: 2021-08-30. Review status: criteria provided, single submitter. Criteria: Invitae Variant Classification Sherloc (09022015). Collection method: clinical testing. Allele origin: germline.
Comment: This sequence change replaces alanine with proline at codon 876 of the PKHD1 protein (p.Ala876Pro). The alanine residue is weakly conserved and there is a small physicochemical difference between alanine and proline. This variant is not present in population databases (ExAC no frequency). This variant has not been reported in the literature in individuals affected with PKHD1-related conditions. Algorithms developed to predict the effect of missense changes on protein structure and function are either unavailable or do not agree on the potential impact of this missense change (SIFT: "Deleterious"; PolyPhen-2: "Benign"; Align-GVGD: "Class C0"). In summary, the available evidence is currently insufficient to determine the role of this variant in disease. Therefore, it has been classified as a Variant of Uncertain Significance.

NM_138694.4(PKHD1):c.2626G>C (p.Ala876Pro)

Gene: PKHD1 (PKHD1 ciliary IPT domain containing fibrocystin/polyductin; minus strand). Cytogenetic location: 6p12.2.
Variant type: single nucleotide variant.
Coding change: c.2626G>C on transcript NM_138694.4 (MANE Select); coding-DNA position 2626, G replaced by C.
Protein change: p.Ala876Pro; replaces alanine 876 with proline.
Molecular consequence: missense variant.
Genome position (GRCh38, 1-based): chr6:52,045,055, C>G on the plus strand (G>C on the coding strand, the complement: PKHD1 is on the minus strand). VCF-style: chr6-52045055-C-G. GRCh37 (hg19) VCF-style: chr6-51909853-C-G.
Other names: c.2626G>C, p.Ala876Pro (NM_170724.3); short protein forms A876P.
Identifiers: ClinVar variation 639521 (VCV000639521.8), dbSNP rs1581922432, ClinGen allele CA364442928.